The following is an entry in ClinVar:

ClinVar aggregate classification (germline): Uncertain significance (1 of 4 stars; one submission).

gnomAD v4.1: 4 of 1,231,238 alleles (0.00032%); highest among the groups gnomAD compares: Non-Finnish European, 0.0004%; no homozygotes.

Submission:

Ambry Genetics
Classification: Uncertain significance. Last evaluated: 2024-12-06. Review status: criteria provided, single submitter. Criteria: Ambry Variant Classification Scheme 2023. Collection method: clinical testing. Allele origin: germline.
Comment: The p.V10L variant (also known as c.28G>C), located in coding exon 1 of the WNK2 gene, results from a G to C substitution at nucleotide position 28. The valine at codon 10 is replaced by leucine, an amino acid with highly similar properties. This amino acid position is conserved. In addition, this alteration is predicted to be tolerated by in silico analysis. Based on the available evidence, the clinical significance of this variant remains unclear.

NM_006648.4(WNK2):c.28G>C (p.Val10Leu)

Gene: WNK2 (WNK lysine deficient protein kinase 2; plus strand). Cytogenetic location: 9q22.31.
Variant type: single nucleotide variant.
Coding change: c.28G>C on transcript NM_006648.4 (MANE Select); coding-DNA position 28, G replaced by C.
Protein change: p.Val10Leu; replaces valine 10 with leucine.
Molecular consequence: missense variant.
Genome position (GRCh38, 1-based): chr9:93,184,957, G>C. VCF-style: chr9-93184957-G-C. GRCh37 (hg19) VCF-style: chr9-95947239-G-C.
Other names: c.28G>C, p.Val10Leu (NM_001282394.3); short protein forms V10L.
Identifiers: ClinVar variation 3470622 (VCV003470622.1).